The following is an entry in ClinVar:

ClinVar aggregate classification (germline): Uncertain significance (1 of 4 stars; one submission).

Allele frequency attached by ClinVar (database versions not stated): ExAC 0.00002; gnomAD exomes 0.00002; TOPMed 0.00002.
gnomAD v4.1: 38 of 1,612,154 alleles (0.0024%); highest among the groups gnomAD compares: Non-Finnish European, 0.003%; no homozygotes.

Submission:

Labcorp Genetics (formerly Invitae), Labcorp
Classification: Uncertain significance. Last evaluated: 2023-11-07. Review status: criteria provided, single submitter. Criteria: Invitae Variant Classification Sherloc (09022015). Collection method: clinical testing. Allele origin: germline.
Comment: This sequence change creates a premature translational stop signal (p.Arg302*) in the PPCS gene. While this is not anticipated to result in nonsense mediated decay, it is expected to disrupt the last 10 amino acid(s) of the PPCS protein. This variant is present in population databases (rs759327365, gnomAD 0.004%). This variant has not been reported in the literature in individuals affected with PPCS-related conditions. ClinVar contains an entry for this variant (Variation ID: 1942324). Experimental studies and prediction algorithms are not available or were not evaluated, and the functional significance of this variant is currently unknown. In summary, the available evidence is currently insufficient to determine the role of this variant in disease. Therefore, it has been classified as a Variant of Uncertain Significance.

NM_024664.4(PPCS):c.904C>T (p.Arg302Ter)

Genes: CCDC30 (coiled-coil domain containing 30; plus strand), PPCS (phosphopantothenoylcysteine synthetase; plus strand). Cytogenetic location: 1p34.2.
Variant type: single nucleotide variant.
Coding change: c.904C>T on transcript NM_024664.4 (MANE Select); coding-DNA position 904, C replaced by T.
Protein change: p.Arg302Ter; replaces arginine 302 with a stop codon.
Molecular consequence: nonsense. On other transcripts: intron variant (2).
Genome position (GRCh38, 1-based): chr1:42,459,894, C>T. VCF-style: chr1-42459894-C-T. GRCh37 (hg19) VCF-style: chr1-42925565-C-T.
Other names: c.385C>T, p.Arg129Ter (NM_001077447.3, NM_001287506.1, NM_001287508.2 and 2 more transcripts); c.286C>T, p.Arg96Ter (NM_001287507.1); c.-880+2544C>T (NM_001355226.2); c.612+2544C>T (NM_001287511.2); short protein forms R302*, R129*, R96*.
Identifiers: ClinVar variation 1942324 (VCV001942324.3), dbSNP rs759327365, ClinGen allele CA800091.